The following is an entry in ClinVar:

ClinVar aggregate classification (germline): Uncertain significance (1 of 4 stars; one submission).

Conditions:
Hypertrophic cardiomyopathy 26. Also called: Cardiomyopathy, familial hypertrophic, 26. Identifiers: Orphanet 75249, MedGen C4310749, MONDO:0014883, OMIM 617047.
Myofibrillar myopathy 5. Also called: Filaminopathy (type); FILAMINOPATHY, AUTOSOMAL DOMINANT. Identifiers: Orphanet 171445, MedGen C1836050, MONDO:0012289, OMIM 609524.
Distal myopathy with posterior leg and anterior hand involvement. Also called: WILLIAMS DISTAL MYOPATHY. Identifiers: Orphanet 63273, MedGen C3279722, MONDO:0013550, OMIM 614065.

Submission:

Labcorp Genetics (formerly Invitae), Labcorp
Classification: Uncertain significance for Distal myopathy with posterior leg and anterior hand involvement; Myofibrillar myopathy 5; Hypertrophic cardiomyopathy 26. Last evaluated: 2025-10-16. Review status: criteria provided, single submitter. Criteria: Invitae Variant Classification Sherloc (09022015). Collection method: clinical testing. Allele origin: germline.
Comment: This sequence change replaces proline, which is neutral and non-polar, with arginine, which is basic and polar, at codon 1990 of the FLNC protein (p.Pro1990Arg). This variant is not present in population databases (gnomAD no frequency). This variant has not been reported in the literature in individuals affected with FLNC-related conditions. Invitae Evidence Modeling of protein sequence and biophysical properties (such as structural, functional, and spatial information, amino acid conservation, physicochemical variation, residue mobility, and thermodynamic stability) has been performed for this missense variant. However, the output from this modeling did not meet the statistical confidence thresholds required to predict the impact of this variant on FLNC protein function. In summary, the available evidence is currently insufficient to determine the role of this variant in disease. Therefore, it has been classified as a Variant of Uncertain Significance.

NM_001458.5(FLNC):c.5969C>G (p.Pro1990Arg)

Genes: FLNC-AS1 (FLNC antisense RNA 1; minus strand), FLNC (filamin C; plus strand). Cytogenetic location: 7q32.1.
Variant type: single nucleotide variant.
Coding change: c.5969C>G on transcript NM_001458.5 (MANE Select); coding-DNA position 5969, C replaced by G.
Protein change: p.Pro1990Arg; replaces proline 1990 with arginine.
Molecular consequence: missense variant.
Genome position (GRCh38, 1-based): chr7:128,852,717, C>G. VCF-style: chr7-128852717-C-G. GRCh37 (hg19) VCF-style: chr7-128492771-C-G.
Other names: c.5870C>G, p.Pro1957Arg (NM_001127487.2); short protein forms P1957R, P1990R.
Identifiers: ClinVar variation 4812431 (VCV004812431.1).
Genomic context (GRCh38, chr7:128,852,717, plus strand): 5'-CCGAGAGTGATCTGAGCCAGCTGACCGCCAGCATCCGTGCCCCCTCGGGCAACGAGGAGC[C>G]CTGCCTGCTGAAGCGCCTGCCCAACCGGCACATTGGTGAGCGTGGGGCCTCACGGGGACC-3'
Protein context (NP_001449.3, residues 1980-2000): SIRAPSGNEE[Pro1990Arg]CLLKRLPNRH